The following is an entry in ClinVar:

ClinVar aggregate classification (germline): Uncertain significance. Review status: criteria provided, multiple submitters, no conflicts (2 of 4 stars). 2 submissions from 2 submitters: Uncertain significance (2). Last evaluated 2025-11-26.

Conditions:
Vitelliform macular dystrophy 4. Identifiers: Orphanet 99000, MedGen C4015342, MONDO:0014508, OMIM 616151.

Allele frequency attached by ClinVar (database versions not stated): TOPMed 0.00001; gnomAD exomes 0.00002 and 0.00004; ExAC 0.00004.

Submissions (2):

Labcorp Genetics (formerly Invitae), Labcorp
Classification: Uncertain significance. Last evaluated: 2025-11-26. Review status: criteria provided, single submitter. Criteria: Invitae Variant Classification Sherloc (09022015). Collection method: clinical testing. Allele origin: germline.
Comment: This sequence change replaces valine, which is neutral and non-polar, with methionine, which is neutral and non-polar, at codon 633 of the IMPG1 protein (p.Val633Met). This variant is present in population databases (rs751040344, gnomAD 0.03%). This missense change has been observed in individual(s) with clinical features of IMPG1-related conditions (internal data). ClinVar contains an entry for this variant (Variation ID: 1026278). An algorithm developed to predict the effect of missense changes on protein structure and function (PolyPhen-2) suggests that this variant is likely to be disruptive. In summary, the available evidence is currently insufficient to determine the role of this variant in disease. Therefore, it has been classified as a Variant of Uncertain Significance.

3billion
Classification: Uncertain significance for Vitelliform macular dystrophy 4. Last evaluated: 2023-12-20. Review status: criteria provided, single submitter. Criteria: ACMG Guidelines, 2015. Collection method: clinical testing. Allele origin: germline. Affected: yes.
Comment: The variant is observed at an extremely low frequency in the gnomAD v2.1.1 dataset (total allele frequency: 0.004%). Predicted Consequence/Location: Missense variant In silico tool predictions suggest damaging effect of the variant on gene or gene product [3Cnet: 0.87 (>=0.6, sensitivity 0.72 and precision 0.9)]. Therefore, this variant is classified as VUS according to the recommendation of ACMG/AMP guideline.

NM_001563.4(IMPG1):c.1897G>A (p.Val633Met)

Gene: IMPG1 (interphotoreceptor matrix proteoglycan 1; minus strand). Cytogenetic location: 6q14.1.
Variant type: single nucleotide variant.
Coding change: c.1897G>A on transcript NM_001563.4 (MANE Select); coding-DNA position 1897, G replaced by A.
Protein change: p.Val633Met; replaces valine 633 with methionine.
Molecular consequence: missense variant.
Genome position (GRCh38, 1-based): chr6:75,947,461, C>T on the plus strand (G>A on the coding strand, the complement: IMPG1 is on the minus strand). VCF-style: chr6-75947461-C-T. GRCh37 (hg19) VCF-style: chr6-76657178-C-T.
Other names: c.1663G>A, p.Val555Met (NM_001282368.2); short protein forms V555M, V633M.
Identifiers: ClinVar variation 1026278 (VCV001026278.7), dbSNP rs751040344, ClinGen allele CA3898009.
Genomic context (GRCh38, chr6:75,947,461, plus strand): 5'-CAGCCTTGGTGAGGTTATACGGCACTGACTTAGCAAACTTCATTTTGCTATTCACAATCA[C>T]ACTCCCGTTTCTGAAGTTAAGTATTTCAAGTTGCTTAAATCCTGTAAGATTGGATCGTAG-3'
Protein context (NP_001554.2, residues 623-643): LEILNFRNGS[Val633Met]IVNSKMKFAK